The following is an entry in ClinVar:

NM_021813.4(BACH2):c.467G>A (p.Cys156Tyr)

Gene: BACH2 (BACH transcriptional regulator 2; minus strand). Cytogenetic location: 6q15.
Variant type: single nucleotide variant.
Coding change: c.467G>A on transcript NM_021813.4 (MANE Select); coding-DNA position 467, G replaced by A.
Protein change: p.Cys156Tyr; replaces cysteine 156 with tyrosine.
Molecular consequence: missense variant.
Genome position (GRCh38, 1-based): chr6:89,951,639, C>T on the plus strand (G>A on the coding strand, the complement: BACH2 is on the minus strand). VCF-style: chr6-89951639-C-T. GRCh37 (hg19) VCF-style: chr6-90661358-C-T.
Other names: c.467G>A, p.Cys156Tyr (NM_001170794.2); short protein forms C156Y.
Identifiers: ClinVar variation 4743890 (VCV004743890.1).

ClinVar aggregate classification (germline): Uncertain significance (1 of 4 stars; one submission).

Submission:

Labcorp Genetics (formerly Invitae), Labcorp
Classification: Uncertain significance. Last evaluated: 2025-02-23. Review status: criteria provided, single submitter. Criteria: Invitae Variant Classification Sherloc (09022015). Collection method: clinical testing. Allele origin: germline.
Comment: This sequence change replaces cysteine, which is neutral and slightly polar, with tyrosine, which is neutral and polar, at codon 156 of the BACH2 protein (p.Cys156Tyr). This variant is not present in population databases (gnomAD no frequency). This variant has not been reported in the literature in individuals affected with BACH2-related conditions. Invitae Evidence Modeling of protein sequence and biophysical properties (such as structural, functional, and spatial information, amino acid conservation, physicochemical variation, residue mobility, and thermodynamic stability) indicates that this missense variant is not expected to disrupt BACH2 protein function with a negative predictive value of 80%. In summary, the available evidence is currently insufficient to determine the role of this variant in disease. Therefore, it has been classified as a Variant of Uncertain Significance.